The following is an entry in ClinVar:

ClinVar aggregate classification (germline): Uncertain significance (1 of 4 stars; one submission).

Conditions:
Hereditary cancer-predisposing syndrome. Also called: Neoplastic Syndromes, Hereditary; Tumor predisposition; Hereditary Cancer Syndrome; Hereditary neoplastic syndrome. Identifiers: Orphanet 140162, MedGen C0027672, MeSH D009386, MONDO:0015356.

Submission:

Ambry Genetics
Classification: Uncertain significance for Hereditary cancer-predisposing syndrome. Last evaluated: 2026-03-30. Review status: criteria provided, single submitter. Criteria: Ambry Variant Classification Scheme 2023. Collection method: clinical testing. Allele origin: germline.
Comment: The p.V143E variant (also known as c.428T>A), located in coding exon 3 of the KIT gene, results from a T to A substitution at nucleotide position 428. The valine at codon 143 is replaced by glutamic acid, an amino acid with dissimilar properties. This amino acid position is conserved. In addition, the in silico prediction for this alteration is inconclusive. Based on the available evidence, the clinical significance of this variant remains unclear.

NM_000222.3(KIT):c.428T>A (p.Val143Glu)

Gene: KIT (KIT proto-oncogene, receptor tyrosine kinase; plus strand). Cytogenetic location: 4q12.
Variant type: single nucleotide variant.
Coding change: c.428T>A on transcript NM_000222.3 (MANE Select); coding-DNA position 428, T replaced by A.
Protein change: p.Val143Glu; replaces valine 143 with glutamic acid.
Molecular consequence: missense variant.
Genome position (GRCh38, 1-based): chr4:54,698,374, T>A. VCF-style: chr4-54698374-T-A. GRCh37 (hg19) VCF-style: chr4-55564540-T-A.
Other names: c.428T>A, p.Val143Glu (NM_001093772.2, NM_001385284.1, NM_001385285.1 and 4 more transcripts); short protein forms V143E.
Identifiers: ClinVar variation 4858928 (VCV004858928.1).